The following is an entry in ClinVar:

ClinVar aggregate classification (germline): Pathogenic (1 of 4 stars; one submission).

Conditions:
Polycystic kidney disease, adult type (PKD1). Also called: Polycystic Kidney Disease 1, Autosomal Dominant; Polycystic kidney disease 1; Polycystic kidney disease 1, severe; POLYCYSTIC KIDNEY DISEASE, ADULT, TYPE I; Polycystic Kidney, Autosomal Dominant; POLYCYSTIC KIDNEY DISEASE 1 WITH OR WITHOUT POLYCYSTIC LIVER DISEASE. Identifiers: MedGen C3149841, MONDO:0008263, OMIM 173900.

Submission:

Juno Genomics, Hangzhou Juno Genomics, Inc
Classification: Pathogenic for Polycystic kidney disease, adult type. Review status: criteria provided, single submitter. Criteria: ACMG Guidelines, 2015. Collection method: clinical testing. Allele origin: germline. Affected: yes.
Comment: Absent from controls (or at extremely low frequency if recessive) in Genome Aggregation Database, Exome Sequencing Project, 1000 Genomes Project, or Exome Aggregation Consortium.;Null variant in a gene where loss of function (LOF) is a known mechanism of disease.;Patient's phenotype or family history is highly specific for a disease with a single genetic etiology.

NM_001009944.3(PKD1):c.11528dup (p.Asp3844fs)

Genes: PKD1 (polycystin 1, transient receptor potential channel interacting; minus strand), PKD1-AS1 (PKD1 antisense RNA 1; plus strand). Cytogenetic location: 16p13.3.
Variant type: Duplication.
Coding change: c.11528dup on transcript NM_001009944.3 (MANE Select); coding-DNA position 11528, one base duplicated (T; older notation c.11528dupT).
Protein change: p.Asp3844fs; shifts the reading frame from aspartic acid 3844.
Molecular consequence: frameshift variant.
Genome position (GRCh38, 1-based): chr16:2,091,790, A duplicated on the plus strand (T on the coding strand, the reverse complement: PKD1 is on the minus strand). VCF-style (leftmost placement, unchanged base first): chr16-2091789-C-CA. GRCh37 (hg19) VCF-style: chr16-2141790-C-CA.
Other names: c.11525dup, p.Asp3843fs (NM_000296.4); short protein forms D3843fs, D3844fs.
Identifiers: ClinVar variation 3767099 (VCV003767099.2).